The following is an entry in ClinVar:

NM_000264.5(PTCH1):c.1119C>G (p.Tyr373Ter)

Gene: PTCH1 (patched 1; minus strand). Cytogenetic location: 9q22.32.
Variant type: single nucleotide variant.
Coding change: c.1119C>G on transcript NM_000264.5 (MANE Select); coding-DNA position 1119, C replaced by G.
Protein change: p.Tyr373Ter; replaces tyrosine 373 with a stop codon.
Molecular consequence: nonsense. On other transcripts: non-coding transcript variant (1).
Genome position (GRCh38, 1-based): chr9:95,479,096, G>C on the plus strand (C>G on the coding strand, the complement: PTCH1 is on the minus strand). VCF-style: chr9-95479096-G-C. GRCh37 (hg19) VCF-style: chr9-98241378-G-C.
Other names: c.921C>G, p.Tyr307Ter (NM_001083602.3); c.1116C>G, p.Tyr372Ter (NM_001083603.3); c.666C>G, p.Tyr222Ter (NM_001083604.3, NM_001083605.3, NM_001083606.3 and 1 more transcripts); c.1119C>G, p.Tyr373Ter (NM_001354918.2); short protein forms Y222*, Y307*, Y372*, Y373*.
Identifiers: ClinVar variation 1678776 (VCV001678776.3), dbSNP rs2066831, ClinGen allele CA374119425.

ClinVar aggregate classification (germline): Pathogenic. Review status: criteria provided, multiple submitters, no conflicts (2 of 4 stars). 2 submissions from 2 submitters: Pathogenic (2). Last evaluated 2024-07-25.

Conditions:
PTCH1-related disorder. Also called: PTCH1-related disorders; PTCH1-related condition.

Submissions (2):

Blueprint Genetics
Classification: Pathogenic for PTCH1-related disorders. Last evaluated: 2024-07-25. Review status: criteria provided, single submitter. Criteria: ACMG Guidelines, 2015. Collection method: clinical testing. Allele origin: germline. Affected: yes. Observed: 1 variant allele.

GeneDx
Classification: Pathogenic. Last evaluated: 2022-02-02. Review status: criteria provided, single submitter. Criteria: GeneDx Variant Classification Process June 2021. Collection method: clinical testing. Allele origin: germline. Affected: yes.
Comment: Nonsense variant predicted to result in protein truncation or nonsense mediated decay in a gene for which loss-of-function is a known mechanism of disease; Not observed in large population cohorts (gnomAD); Observed in a patient with basal cell nevus syndrome (Reinders 2018); This variant is associated with the following publications: (PMID: 29575684)